The following is an entry in ClinVar:

NM_172107.4(KCNQ2):c.883del (p.Ala295fs)

Gene: KCNQ2 (potassium voltage-gated channel subfamily Q member 2; minus strand). Cytogenetic location: 20q13.33.
Variant type: Deletion.
Coding change: c.883del on transcript NM_172107.4 (MANE Select); coding-DNA position 883, one base deleted (G; older notation c.883delG).
Protein change: p.Ala295fs; shifts the reading frame from alanine 295.
Molecular consequence: frameshift variant.
Genome position (GRCh38, 1-based): chr20:63,439,642, C deleted on the plus strand (G on the coding strand, the reverse complement: KCNQ2 is on the minus strand); the first of 2 consecutive C bases (chr20:63,439,642-63,439,643); deleting either gives the same sequence. VCF-style (leftmost placement, unchanged base first): chr20-63439641-GC-G. GRCh37 (hg19) VCF-style: chr20-62070994-GC-G.
Other names: c.883del, p.Ala295fs (NM_001382235.1, NM_004518.6, NM_172106.3 and 2 more transcripts); short protein forms A295fs.
Identifiers: ClinVar variation 1451356 (VCV001451356.7), dbSNP rs2145718887, ClinGen allele CA2573157302.

ClinVar aggregate classification (germline): Pathogenic (1 of 4 stars; one submission).

Conditions:
Early-infantile DEE. Also called: Early infantile epileptic encephalopathy; Ohtahara syndrome; Early infantile epileptic encephalopathy with suppression bursts. Identifiers: Orphanet 1934, MedGen C0393706, MONDO:0800491.

Submission:

Labcorp Genetics (formerly Invitae), Labcorp
Classification: Pathogenic for Early-infantile DEE. Last evaluated: 2020-12-31. Review status: criteria provided, single submitter. Criteria: Invitae Variant Classification Sherloc (09022015). Collection method: clinical testing. Allele origin: germline.
Comment: For these reasons, this variant has been classified as Pathogenic. This variant has not been reported in the literature in individuals with KCNQ2-related conditions. This variant is not present in population databases (ExAC no frequency). This sequence change creates a premature translational stop signal (p.Ala295Glnfs*24) in the KCNQ2 gene. It is expected to result in an absent or disrupted protein product. Loss-of-function variants in KCNQ2 are known to be pathogenic (PMID: 14534157, 23692823, 27779742).

Literature cited by the submitters: PubMed 14534157; PubMed 23692823; PubMed 27779742.